The following is an entry in ClinVar:

ClinVar aggregate classification (germline): Pathogenic/Likely pathogenic. Review status: criteria provided, multiple submitters, no conflicts (2 of 4 stars). 2 submissions from 2 submitters: Pathogenic (1); Likely pathogenic (1). Last evaluated 2022-11-23.

Conditions:
Congenital stationary night blindness 1G. Identifiers: Orphanet 215, MedGen C4225345, MONDO:0014614, OMIM 616389.

Submissions (2):

Labcorp Genetics (formerly Invitae), Labcorp
Classification: Pathogenic. Last evaluated: 2022-11-23. Review status: criteria provided, single submitter. Criteria: Invitae Variant Classification Sherloc (09022015). Collection method: clinical testing. Allele origin: germline.
Comment: This variant has not been reported in the literature in individuals affected with GNAT1-related conditions. For these reasons, this variant has been classified as Pathogenic. This variant is present in population databases (no rsID available, gnomAD 0.0009%). This sequence change creates a premature translational stop signal (p.Ser94Cysfs*43) in the GNAT1 gene. It is expected to result in an absent or disrupted protein product. Loss-of-function variants in GNAT1 are known to be pathogenic (PMID: 11095744, 31736247).

Suma Genomics
Classification: Likely pathogenic for Congenital stationary night blindness 1G. Review status: criteria provided, single submitter. Criteria: ACMG Guidelines, 2015. Collection method: clinical testing. Allele origin: germline. Inheritance: Autosomal recessive inheritance. Affected: yes. Observed: 1 homozygote.
Comment: This variant is observed in five individuals in the gnomAD database in a heterozygous state. Biallelic loss-of-function variants in GNAT1 are associated with Night blindness, congenital stationary, type 1G (MIM# 616389). ACMG classification: Likely pathogenic ACMG criteria met: PVS1: Null variant in a gene where loss of function is a known mechanism of disease PM2_Supporting: Extremely low frequency in gnomAD population databases

Literature cited by the submitters: PubMed 11095744 (cited by Labcorp Genetics (formerly Invitae), Labcorp); PubMed 31736247 (cited by Labcorp Genetics (formerly Invitae), Labcorp).

NM_144499.3(GNAT1):c.281_282del (p.Ser94fs)

Gene: GNAT1 (G protein subunit alpha transducin 1; plus strand). Cytogenetic location: 3p21.31.
Variant type: Microsatellite.
Coding change: c.281_282del on transcript NM_144499.3 (MANE Select); coding-DNA positions 281 to 282, 2 bases deleted (CT; older notation c.281_282delCT).
Protein change: p.Ser94fs; shifts the reading frame from serine 94.
Molecular consequence: frameshift variant.
Genome position (GRCh38, 1-based): chr3:50,193,396-50,193,397, CT deleted; deleting any 2 consecutive bases within chr3:50,193,394-50,193,397 gives the same sequence; the c. name uses the placement nearest the transcript's 3' end. VCF-style (leftmost placement, unchanged base first): chr3-50193393-ACT-A. GRCh37 (hg19) VCF-style: chr3-50230826-ACT-A.
Other names: c.281_282del, p.Ser94fs (NM_000172.4); short protein forms S94fs.
Identifiers: ClinVar variation 2787146 (VCV002787146.3), dbSNP rs1559746225, ClinGen allele CA543052622.